The following is an entry in ClinVar:

ClinVar aggregate classification (germline): Conflicting classifications of pathogenicity. Review status: criteria provided, conflicting classifications (1 of 4 stars). 4 submissions from 4 submitters: Likely pathogenic (2); Uncertain significance (2). Last evaluated 2024-06-11.

Conditions:
Hereditary cancer-predisposing syndrome. Also called: Neoplastic Syndromes, Hereditary; Tumor predisposition; Hereditary Cancer Syndrome; Hereditary neoplastic syndrome. Identifiers: Orphanet 140162, MedGen C0027672, MeSH D009386, MONDO:0015356.
Fanconi anemia (FA). Also called: Fanconi's anemia. Identifiers: Orphanet 84, MedGen C0015625, MeSH D005199, MONDO:0019391.
Fanconi anemia complementation group C (FANCC). Also called: Fanconi anemia, group C; FANCC-Related Fanconi Anemia; FANCONI PANCYTOPENIA, TYPE 3; FACC. Identifiers: Orphanet 84, MedGen C3468041, MONDO:0009213, OMIM 227645.

Allele frequency attached by ClinVar (database versions not stated): TOPMed below 0.00001.

Submissions (4):

Labcorp Genetics (formerly Invitae), Labcorp
Classification: Uncertain significance for Fanconi anemia. Last evaluated: 2024-06-11. Review status: criteria provided, single submitter. Criteria: Invitae Variant Classification Sherloc (09022015). Collection method: clinical testing. Allele origin: germline.
Comment: This sequence change falls in intron 12 of the FANCC gene. It does not directly change the encoded amino acid sequence of the FANCC protein. It affects a nucleotide within the consensus splice site. This variant is not present in population databases (gnomAD no frequency). This variant has not been reported in the literature in individuals affected with FANCC-related conditions. ClinVar contains an entry for this variant (Variation ID: 456152). Variants that disrupt the consensus splice site are a relatively common cause of aberrant splicing (PMID: 17576681, 9536098). Algorithms developed to predict the effect of sequence changes on RNA splicing suggest that this variant may disrupt the consensus splice site. In summary, the available evidence is currently insufficient to determine the role of this variant in disease. Therefore, it has been classified as a Variant of Uncertain Significance.

Fulgent Genetics
Classification: Likely pathogenic for Fanconi anemia complementation group C. Last evaluated: 2024-06-10. Review status: criteria provided, single submitter. Criteria: ACMG Guidelines, 2015. Collection method: clinical testing. Allele origin: germline.

GeneDx
Classification: Likely pathogenic. Last evaluated: 2023-02-16. Review status: criteria provided, single submitter. Criteria: GeneDx Variant Classification Process June 2021. Collection method: clinical testing. Allele origin: germline. Affected: yes.
Comment: Creates an intronic +5 splice site variant (G>A) in a gene for which loss of function is a known mechanism of disease, and splice predictors support a deleterious effect; Not observed at significant frequency in large population cohorts (gnomAD); Has not been previously published as pathogenic or benign to our knowledge

Ambry Genetics
Classification: Uncertain significance for Hereditary cancer-predisposing syndrome. Last evaluated: 2022-12-21. Review status: criteria provided, single submitter. Criteria: Ambry Variant Classification Scheme 2023. Collection method: clinical testing. Allele origin: germline.
Comment: The c.1154+2dupT intronic variant, results from a duplication of one nucleotide at nucleotide position c.1154+2 after intron 11 of the FANCC gene. This nucleotide position is highly conserved in available vertebrate species. In silico splice site analysis predicts that this alteration will weaken the native splice donor site; however, direct evidence is insufficient at this time (Ambry internal data). Since supporting evidence is limited at this time, the clinical significance of this alteration remains unclear.

Literature cited by the submitters: PubMed 17576681 (cited by Labcorp Genetics (formerly Invitae), Labcorp); PubMed 9536098 (cited by Labcorp Genetics (formerly Invitae), Labcorp).

NM_000136.3(FANCC):c.1154+2dup

Genes: FANCC (FA complementation group C; minus strand), AOPEP (aminopeptidase O (putative); plus strand). Cytogenetic location: 9q22.32.
Variant type: Duplication.
Coding change: c.1154+2dup on transcript NM_000136.3 (MANE Select); the canonical splice donor site of the intron after coding-DNA position 1154, one base duplicated (T; older notation c.1154+2dupT).
Molecular consequence: splice donor variant.
Genome position (GRCh38, 1-based): chr9:95,114,627, A duplicated on the plus strand (T on the coding strand, the reverse complement: FANCC is on the minus strand). VCF-style (leftmost placement, unchanged base first): chr9-95114626-C-CA. GRCh37 (hg19) VCF-style: chr9-97876908-C-CA.
Other names: c.1154+2dupT (NM_000136.2); c.1154+2dup (NM_001243743.2, NM_001243744.2).
Identifiers: ClinVar variation 456152 (VCV000456152.11), dbSNP rs1386979449, ClinGen allele CA658657889.